The following is an entry in ClinVar:

ClinVar aggregate classification (germline): Uncertain significance (1 of 4 stars; one submission).

Conditions:
Autosomal dominant nocturnal frontal lobe epilepsy 5. Also called: Epilepsy, nocturnal frontal lobe, 5; CILIARY DYSKINESIA, PRIMARY, 28, WITHOUT SITUS INVERSUS; CILIARY DYSKINESIA, PRIMARY, 28, WITH SITUS INVERSUS; KCNT1-Related Epilepsy. Identifiers: Orphanet 98784, MedGen C3554306, MONDO:0014002, OMIM 615005.
Developmental and epileptic encephalopathy, 14 (DEE14). Also called: Early infantile epileptic encephalopathy 14. Identifiers: Orphanet 293181, MedGen C3554195, MONDO:0013989, OMIM 614959.

Submission:

Labcorp Genetics (formerly Invitae), Labcorp
Classification: Uncertain significance for Autosomal dominant nocturnal frontal lobe epilepsy 5; Developmental and epileptic encephalopathy, 14. Last evaluated: 2022-11-26. Review status: criteria provided, single submitter. Criteria: Invitae Variant Classification Sherloc (09022015). Collection method: clinical testing. Allele origin: germline.
Comment: This sequence change replaces glutamine, which is neutral and polar, with histidine, which is basic and polar, at codon 415 of the KCNT1 protein (p.Gln415His). This variant is not present in population databases (gnomAD no frequency). This variant has not been reported in the literature in individuals affected with KCNT1-related conditions. Advanced modeling of protein sequence and biophysical properties (such as structural, functional, and spatial information, amino acid conservation, physicochemical variation, residue mobility, and thermodynamic stability) performed at Invitae indicates that this missense variant is not expected to disrupt KCNT1 protein function. In summary, the available evidence is currently insufficient to determine the role of this variant in disease. Therefore, it has been classified as a Variant of Uncertain Significance.

NM_020822.3(KCNT1):c.1245G>C (p.Gln415His)

Gene: KCNT1 (potassium sodium-activated channel subfamily T member 1; plus strand). Cytogenetic location: 9q34.3.
Variant type: single nucleotide variant.
Coding change: c.1245G>C on transcript NM_020822.3 (MANE Select); coding-DNA position 1245, G replaced by C.
Protein change: p.Gln415His; replaces glutamine 415 with histidine.
Molecular consequence: missense variant.
Genome position (GRCh38, 1-based): chr9:135,765,668, G>C. VCF-style: chr9-135765668-G-C. GRCh37 (hg19) VCF-style: chr9-138657514-G-C.
Other names: c.1110G>C, p.Gln370His (NM_001272003.2); short protein forms Q370H, Q415H.
Identifiers: ClinVar variation 2941866 (VCV002941866.3), dbSNP rs2490908194, ClinGen allele CA375501316.